The following is an entry in ClinVar:

ClinVar aggregate classification (germline): Uncertain significance. Review status: criteria provided, multiple submitters, no conflicts (2 of 4 stars). 2 submissions from 2 submitters: Uncertain significance (2). Last evaluated 2021-07-13.

Conditions:
Hereditary cancer-predisposing syndrome. Also called: Neoplastic Syndromes, Hereditary; Hereditary neoplastic syndrome; Tumor predisposition; Hereditary Cancer Syndrome. Identifiers: Orphanet 140162, MedGen C0027672, MeSH D009386, MONDO:0015356.
DICER1-related tumor predisposition. Also called: DICER1 syndrome; DICER1-related pleuropulmonary blastoma cancer predisposition syndrome. Identifiers: Orphanet 284343, MedGen C3839822, MONDO:0100216.

Allele frequency attached by ClinVar (database versions not stated): TOPMed 0.00001.

Submissions (2):

Labcorp Genetics (formerly Invitae), Labcorp
Classification: Uncertain significance for DICER1-related tumor predisposition. Last evaluated: 2021-07-13. Review status: criteria provided, single submitter. Criteria: Invitae Variant Classification Sherloc (09022015). Collection method: clinical testing. Allele origin: germline.
Comment: This sequence change replaces isoleucine with threonine at codon 73 of the DICER1 protein (p.Ile73Thr). The isoleucine residue is highly conserved and there is a moderate physicochemical difference between isoleucine and threonine. In summary, the available evidence is currently insufficient to determine the role of this variant in disease. Therefore, it has been classified as a Variant of Uncertain Significance. Algorithms developed to predict the effect of missense changes on protein structure and function (SIFT, PolyPhen-2, Align-GVGD) all suggest that this variant is likely to be disruptive, but these predictions have not been confirmed by published functional studies and their clinical significance is uncertain. This variant has not been reported in the literature in individuals with DICER1-related conditions. This variant is not present in population databases (ExAC no frequency).

Ambry Genetics
Classification: Uncertain significance for Hereditary cancer-predisposing syndrome. Last evaluated: 2020-10-13. Review status: criteria provided, single submitter. Criteria: Ambry Variant Classification Scheme 2023. Collection method: clinical testing. Allele origin: germline.
Comment: The p.I73T variant (also known as c.218T>C), located in coding exon 2 of the DICER1 gene, results from a T to C substitution at nucleotide position 218. The isoleucine at codon 73 is replaced by threonine, an amino acid with similar properties. This amino acid position is highly conserved in available vertebrate species. In addition, the in silico prediction for this alteration is inconclusive. Since supporting evidence is limited at this time, the clinical significance of this alteration remains unclear.

NM_177438.3(DICER1):c.218T>C (p.Ile73Thr)

Gene: DICER1 (dicer 1, ribonuclease III; minus strand). Cytogenetic location: 14q32.13.
Variant type: single nucleotide variant.
Coding change: c.218T>C on transcript NM_177438.3 (MANE Select); coding-DNA position 218, T replaced by C.
Protein change: p.Ile73Thr; replaces isoleucine 73 with threonine.
Molecular consequence: missense variant.
Genome position (GRCh38, 1-based): chr14:95,132,604, A>G on the plus strand (T>C on the coding strand, the complement: DICER1 is on the minus strand). VCF-style: chr14-95132604-A-G. GRCh37 (hg19) VCF-style: chr14-95598941-A-G.
Other names: c.218T>C, p.Ile73Thr (NM_001195573.1, NM_001271282.3, NM_001291628.2 and 1 more transcripts); short protein forms I73T.
Identifiers: ClinVar variation 846081 (VCV000846081.13), dbSNP rs1312551730, ClinGen allele CA390889934.